The following is an entry in ClinVar:

ClinVar aggregate classification (germline): Likely benign (1 of 4 stars; one submission).

Conditions:
Intellectual developmental disorder, autosomal dominant 3. Also called: Intellectual disability, autosomal dominant 3. Identifiers: MedGen C2675488, MONDO:0012946, OMIM 612580.

Submission:

Centre for Medical Genetics,  Mumbai
Classification: Likely benign for Intellectual developmental disorder, autosomal dominant 3. Last evaluated: 2026-02-16. Review status: criteria provided, single submitter. Criteria: ACMG Guidelines, 2015. Collection method: provider interpretation. Allele origin: germline. Inheritance: Autosomal dominant inheritance. Affected: no. Observed: 1 heterozygote.
Comment: The variant satisfies PM2 criteria; Extremely low frequency in gnomAD population databases. The variant satisfies PP3 criteria; For a missense or a splicing region variant, computational prediction tools unanimously support a deleterious effect on the gene. However, the variant satisfies BS2 criteria.

Literature cited by the submitters: PubMed 19012874.

NM_004933.3(CDH15):c.2015T>C (p.Leu672Pro)

Gene: CDH15 (cadherin 15; plus strand). Cytogenetic location: 16q24.3.
Variant type: single nucleotide variant.
Coding change: c.2015T>C on transcript NM_004933.3 (MANE Select); coding-DNA position 2015, T replaced by C.
Protein change: p.Leu672Pro; replaces leucine 672 with proline.
Molecular consequence: missense variant.
Genome position (GRCh38, 1-based): chr16:89,193,777, T>C. VCF-style: chr16-89193777-T-C. GRCh37 (hg19) VCF-style: chr16-89260185-T-C.
Other names: short protein forms L672P.
Identifiers: ClinVar variation 4795838 (VCV004795838.1).